The following is an entry in ClinVar:

NM_003105.6(SORL1):c.907C>T (p.Arg303Trp)

Gene: SORL1 (sortilin related receptor 1; plus strand). Cytogenetic location: 11q24.1.
Variant type: single nucleotide variant.
Coding change: c.907C>T on transcript NM_003105.6 (MANE Select); coding-DNA position 907, C replaced by T.
Protein change: p.Arg303Trp; replaces arginine 303 with tryptophan.
Molecular consequence: missense variant.
Genome position (GRCh38, 1-based): chr11:121,497,017, C>T. VCF-style: chr11-121497017-C-T. GRCh37 (hg19) VCF-style: chr11-121367726-C-T.
Other names: short protein forms R303W.
Identifiers: ClinVar variation 2735781 (VCV002735781.3), dbSNP rs372363423, ClinGen allele CA6328495.

ClinVar aggregate classification (germline): Uncertain significance (1 of 4 stars; one submission).

Allele frequency attached by ClinVar (database versions not stated): ExAC 0.00004; gnomAD 0.00006; ESP Exome Variant Server 0.00008; gnomAD exomes 0.00009; TOPMed 0.00006.
gnomAD v4.1: 141 of 1,613,764 alleles (0.0087%); highest among the groups gnomAD compares: Non-Finnish European, 0.011%; no homozygotes.

Submission:

Labcorp Genetics (formerly Invitae), Labcorp
Classification: Uncertain significance. Last evaluated: 2025-11-16. Review status: criteria provided, single submitter. Criteria: Invitae Variant Classification Sherloc (09022015). Collection method: clinical testing. Allele origin: germline.
Comment: This sequence change replaces arginine, which is basic and polar, with tryptophan, which is neutral and slightly polar, at codon 303 of the SORL1 protein (p.Arg303Trp). This variant is present in population databases (rs372363423, gnomAD 0.009%). This missense change has been observed in individual(s) with Alzheimer disease (PMID: 28537274). ClinVar contains an entry for this variant (Variation ID: 2735781). An algorithm developed to predict the effect of missense changes on protein structure and function (PolyPhen-2) suggests that this variant is likely to be disruptive. In summary, the available evidence is currently insufficient to determine the role of this variant in disease. Therefore, it has been classified as a Variant of Uncertain Significance.

Literature cited by the submitters: PubMed 28537274.